The following is an entry in ClinVar:

ClinVar aggregate classification (germline): Uncertain significance (1 of 4 stars; one submission).

Conditions:
DICER1-related tumor predisposition. Also called: DICER1 syndrome; DICER1-related pleuropulmonary blastoma cancer predisposition syndrome. Identifiers: Orphanet 284343, MedGen C3839822, MONDO:0100216.

Submission:

Labcorp Genetics (formerly Invitae), Labcorp
Classification: Uncertain significance for DICER1-related tumor predisposition. Last evaluated: 2020-03-08. Review status: criteria provided, single submitter. Criteria: Invitae Variant Classification Sherloc (09022015). Collection method: clinical testing. Allele origin: germline.
Comment: In summary, the available evidence is currently insufficient to determine the role of this variant in disease. Therefore, it has been classified as a Variant of Uncertain Significance. Algorithms developed to predict the effect of missense changes on protein structure and function output the following: SIFT: "Tolerated"; PolyPhen-2: "Benign"; Align-GVGD: "Class C0". The glycine amino acid residue is found in multiple mammalian species, suggesting that this missense change does not adversely affect protein function. These predictions have not been confirmed by published functional studies and their clinical significance is uncertain. This variant has not been reported in the literature in individuals with DICER1-related conditions. This variant is not present in population databases (ExAC no frequency). This sequence change replaces aspartic acid with glycine at codon 886 of the DICER1 protein (p.Asp886Gly). The aspartic acid residue is highly conserved and there is a moderate physicochemical difference between aspartic acid and glycine.

NM_177438.3(DICER1):c.2657A>G (p.Asp886Gly)

Gene: DICER1 (dicer 1, ribonuclease III; minus strand). Cytogenetic location: 14q32.13.
Variant type: single nucleotide variant.
Coding change: c.2657A>G on transcript NM_177438.3 (MANE Select); coding-DNA position 2657, A replaced by G.
Protein change: p.Asp886Gly; replaces aspartic acid 886 with glycine.
Molecular consequence: missense variant.
Genome position (GRCh38, 1-based): chr14:95,107,755, T>C on the plus strand (A>G on the coding strand, the complement: DICER1 is on the minus strand). VCF-style: chr14-95107755-T-C. GRCh37 (hg19) VCF-style: chr14-95574092-T-C.
Other names: c.2657A>G, p.Asp886Gly (NM_001195573.1, NM_001271282.3, NM_001291628.2 and 1 more transcripts); short protein forms D886G.
Identifiers: ClinVar variation 1039166 (VCV001039166.10), dbSNP rs1891569104, ClinGen allele CA390880949.